The following is an entry in ClinVar:

NM_000133.4(F9):c.533G>T (p.Cys178Phe)

Gene: F9 (coagulation factor IX; plus strand). Cytogenetic location: Xq27.1.
Variant type: single nucleotide variant.
Coding change: c.533G>T on transcript NM_000133.4 (MANE Select); coding-DNA position 533, G replaced by T.
Protein change: p.Cys178Phe; replaces cysteine 178 with phenylalanine.
Molecular consequence: missense variant.
Genome position (GRCh38, 1-based): chrX:139,551,074, G>T. VCF-style: chrX-139551074-G-T. GRCh37 (hg19) VCF-style: chrX-138633233-G-T.
Other names: c.419G>T, p.Cys140Phe (NM_001313913.2); short protein forms C140F, C178F.
Identifiers: ClinVar variation 811518 (VCV000811518.8), dbSNP rs1603265779, ClinGen allele CA414440306.

ClinVar aggregate classification (germline): Pathogenic (1 of 4 stars; one submission).

Submission:

ARUP Laboratories, Molecular Genetics and Genomics, ARUP Laboratories
Classification: Pathogenic. Last evaluated: 2019-05-26. Review status: criteria provided, single submitter. Criteria: ARUP Molecular Germline Variant Investigation Process. Collection method: clinical testing. Allele origin: germline.
Comment: The F9 c.533G>T; p.Cys178Phe variant, also known as G20375T, is reported in the literature in multiple individuals affected with severe hemophilia B (see link to FIX database and references therein, Chavali 2009, Giannelli 1994, Green 1991). This variant is absent from general population databases (Exome Variant Server, Genome Aggregation Database), indicating it is not a common polymorphism. The cysteine at codon 178 is highly conserved, and computational analyses (SIFT, PolyPhen-2) predict that this variant is deleterious. Additionally, other amino acid substitutions at this codon (Arg, Tyr, Ser, Trp, Gly) have been reported in individuals with moderate to severe hemophilia B and are considered pathogenic (FIX database and references therein, Giannelli 1994). Based on available information, the p.Cys178Phe variant is considered to be pathogenic. References: Link to FIX database: Chavali S et al. Hemophilia B is a quasi-quantitative condition with certain mutations showing phenotypic plasticity. Genomics. 2009 Dec;94(6):433-7. Giannelli F et al. Haemophilia B: database of point mutations and short additions and deletions, fifth edition, 1994. Nucleic Acids Res. 1994 Sep;22(17):3534-46. Green PM et al. Haemophilia B mutations in a complete Swedish population sample: a test of new strategy for the genetic counselling of diseases with high mutational heterogeneity. Br J Haematol. 1991 Jul;78(3):390-7.